The following is an entry in ClinVar:

ClinVar aggregate classification (germline): Pathogenic. Review status: criteria provided, single submitter (1 of 4 stars). 3 submissions from 3 submitters: Pathogenic (1). 2 of the submissions do not count toward it. Last evaluated 2021-04-23.

Conditions:
Atrial fibrillation. Identifiers: MedGen C0004238, MONDO:0004981, HP:0005110.
Long QT syndrome (LQTS). Identifiers: MedGen C0023976, MeSH D008133, MONDO:0002442. Disease mechanism: loss of function. Inheritance: Various modes of inheritance.
Atrial fibrillation, familial, 3 (ATFB3). Identifiers: MedGen C1837014, MONDO:0011857, OMIM 607554.

Submissions (3):

Labcorp Genetics (formerly Invitae), Labcorp
Classification: Pathogenic for Long QT syndrome. Last evaluated: 2021-04-23. Review status: criteria provided, single submitter. Criteria: Invitae Variant Classification Sherloc (09022015). Collection method: clinical testing. Allele origin: germline.
Comment: A different missense substitution at this codon (p.Ser209Phe) is reported to be deleterious (PMID: 25444851, 20421371). This indicates that the serine residue is important for KCNQ1 protein function. In summary, this is a rare variant which has been shown to segregate with disease in a family and affects a residue which is important for KCNQ1 function. For this reason it has been classified as Pathogenic. This sequence change replaces serine with proline at codon 209 of the KCNQ1 protein (p.Ser209Pro). The serine residue is highly conserved and there is a moderate physicochemical difference between serine and proline. This variant is not present in population databases (ExAC no frequency). This variant has been reported to segregate with familial lone atrial fibrillation in a family (PMID: 19632626). In an experimental study this variant was shown to result in a gain of function,channels carrying this variant activated faster but deactivated slower than non-carriers (PMID: 19632626).

OMIM
Classification: Pathogenic for ATRIAL FIBRILLATION, FAMILIAL, 3. Last evaluated: 2009-08-01. Review status: no assertion criteria provided. Collection method: literature only. Allele origin: germline. Not counted in ClinVar's aggregate classification.

Cardiovascular Biomedical Research Unit, Royal Brompton & Harefield NHS Foundation Trust
No classification provided. Condition: Atrial fibrillation. Review status: no classification provided. Collection method: literature only. Allele origin: germline. Not counted in ClinVar's aggregate classification.
Comment: This variant has been reported as associated with Atrial fibrillation in the following publications (PMID:19632626). This is a literature report, and does not necessarily reflect the clinical interpretation of the Imperial College / Royal Brompton Cardiovascular Genetics laboratory.

Literature cited by the submitters: PubMed 25444851 (cited by Labcorp Genetics (formerly Invitae), Labcorp); PubMed 20421371 (cited by Labcorp Genetics (formerly Invitae), Labcorp); PubMed 19632626 (cited by 3 submitters); PubMed 22581653 (cited by Cardiovascular Biomedical Research Unit, Royal Brompton & Harefield NHS Foundation Trust).

NM_000218.3(KCNQ1):c.625T>C (p.Ser209Pro)

Gene: KCNQ1 (potassium voltage-gated channel subfamily Q member 1; plus strand). Cytogenetic location: 11p15.5.
Variant type: single nucleotide variant.
Coding change: c.625T>C on transcript NM_000218.3 (MANE Select); coding-DNA position 625, T replaced by C.
Protein change: p.Ser209Pro; replaces serine 209 with proline.
Molecular consequence: missense variant.
Genome position (GRCh38, 1-based): chr11:2,571,345, T>C. VCF-style: chr11-2571345-T-C. GRCh37 (hg19) VCF-style: chr11-2592575-T-C.
Other names: c.625T>C (LRG_287t1); c.625T>C, p.Ser209Pro (NM_001406836.1); c.355T>C, p.Ser119Pro (NM_001406837.1); c.244T>C, p.Ser82Pro (NM_181798.2); short protein forms S209P, S82P, S119P.
Identifiers: ClinVar variation 67094 (VCV000067094.10), dbSNP rs199472705, ClinGen allele CA007795.
Genomic context (GRCh38, chr11:2,571,345, plus strand): 5'-TGGCGATCACGAAAAGCTCCCCCTCTCCTGCACTCCACAGACCTCATCGTGGTCGTGGCC[T>C]CCATGGTGGTCCTCTGCGTGGGCTCCAAGGGGCAGGTGTTTGCCACGTCGGCCATCAGGT-3'
Protein context (NP_000209.2, residues 199-219): SIIDLIVVVA[Ser209Pro]MVVLCVGSKG